The following is an entry in ClinVar:

ClinVar aggregate classification (germline): Uncertain significance. Review status: criteria provided, multiple submitters, no conflicts (2 of 4 stars). 2 submissions from 2 submitters: Uncertain significance (2). Last evaluated 2024-07-01.

Conditions:
Hereditary cancer-predisposing syndrome. Also called: Neoplastic Syndromes, Hereditary; Tumor predisposition; Hereditary Cancer Syndrome; Hereditary neoplastic syndrome. Identifiers: Orphanet 140162, MedGen C0027672, MeSH D009386, MONDO:0015356.
Gastrointestinal stromal tumor. Also called: Gastrointestinal stromal tumor, somatic; Gastrointestinal stroma tumor. Identifiers: Orphanet 44890, MedGen C0238198, MeSH D046152, MONDO:0011719, OMIM 606764, HP:0100723.

Allele frequency attached by ClinVar (database versions not stated): gnomAD exomes below 0.00001.
gnomAD v4.1: 1 of 1,613,956 alleles (0.000062%); highest among the groups gnomAD compares: Non-Finnish European, 0.000085%; no homozygotes.

Submissions (2):

Ambry Genetics
Classification: Uncertain significance for Hereditary cancer-predisposing syndrome. Last evaluated: 2024-07-01. Review status: criteria provided, single submitter. Criteria: Ambry Variant Classification Scheme 2023. Collection method: clinical testing. Allele origin: germline.
Comment: The p.T544I variant (also known as c.1631C>T), located in coding exon 10 of the KIT gene, results from a C to T substitution at nucleotide position 1631. The threonine at codon 544 is replaced by isoleucine, an amino acid with similar properties. This amino acid position is conserved. In addition, this alteration is predicted to be tolerated by in silico analysis. Since supporting evidence is limited at this time, the clinical significance of this alteration remains unclear.

Labcorp Genetics (formerly Invitae), Labcorp
Classification: Uncertain significance for Gastrointestinal stromal tumor. Last evaluated: 2021-03-24. Review status: criteria provided, single submitter. Criteria: Invitae Variant Classification Sherloc (09022015). Collection method: clinical testing. Allele origin: germline.
Comment: In summary, the available evidence is currently insufficient to determine the role of this variant in disease. Therefore, it has been classified as a Variant of Uncertain Significance. Algorithms developed to predict the effect of missense changes on protein structure and function (SIFT, PolyPhen-2, Align-GVGD) all suggest that this variant is likely to be tolerated, but these predictions have not been confirmed by published functional studies and their clinical significance is uncertain. This variant has not been reported in the literature in individuals with KIT-related disease. This variant is not present in population databases (ExAC no frequency). This sequence change replaces threonine with isoleucine at codon 544 of the KIT protein (p.Thr544Ile). The threonine residue is moderately conserved and there is a moderate physicochemical difference between threonine and isoleucine.

NM_000222.3(KIT):c.1631C>T (p.Thr544Ile)

Gene: KIT (KIT proto-oncogene, receptor tyrosine kinase; plus strand). Cytogenetic location: 4q12.
Variant type: single nucleotide variant.
Coding change: c.1631C>T on transcript NM_000222.3 (MANE Select); coding-DNA position 1631, C replaced by T.
Protein change: p.Thr544Ile; replaces threonine 544 with isoleucine.
Molecular consequence: missense variant.
Genome position (GRCh38, 1-based): chr4:54,727,308, C>T. VCF-style: chr4-54727308-C-T. GRCh37 (hg19) VCF-style: chr4-55593474-C-T.
Other names: c.1619C>T, p.Thr540Ile (NM_001093772.2, NM_001385286.1); c.1634C>T, p.Thr545Ile (NM_001385284.1, NM_001385290.1); c.1631C>T, p.Thr544Ile (NM_001385285.1); c.1622C>T, p.Thr541Ile (NM_001385288.1, NM_001385292.1); short protein forms T540I, T544I, T541I, T545I.
Identifiers: ClinVar variation 664146 (VCV000664146.12), dbSNP rs1577994552, ClinGen allele CA356907361.